The following is an entry in ClinVar:

NM_020821.3(VPS13C):c.7939G>T (p.Glu2647Ter)

Gene: VPS13C (vacuolar protein sorting 13 homolog C; minus strand). Cytogenetic location: 15q22.2.
Variant type: single nucleotide variant.
Coding change: c.7939G>T on transcript NM_020821.3 (MANE Select); coding-DNA position 7939, G replaced by T.
Protein change: p.Glu2647Ter; replaces glutamic acid 2647 with a stop codon.
Molecular consequence: nonsense.
Genome position (GRCh38, 1-based): chr15:61,917,457, C>A on the plus strand (G>T on the coding strand, the complement: VPS13C is on the minus strand). VCF-style: chr15-61917457-C-A. GRCh37 (hg19) VCF-style: chr15-62209656-C-A.
Other names: c.7939G>T, p.Glu2647Ter (NM_001018088.3); c.7810G>T, p.Glu2604Ter (NM_017684.5, NM_018080.4); short protein forms E2604*, E2647*.
Identifiers: ClinVar variation 4848655 (VCV004848655.1).

ClinVar aggregate classification (germline): Pathogenic (1 of 4 stars; one submission).

Conditions:
Autosomal recessive early-onset Parkinson disease 23. Identifiers: Orphanet 2828, MedGen C4225186, MONDO:0014796, OMIM 616840.

gnomAD v4.1: 5 of 1,614,036 alleles (0.00031%); no homozygotes.

Submission:

Women's Health and Genetics/Laboratory Corporation of America, LabCorp
Classification: Pathogenic for Autosomal recessive early-onset Parkinson disease 23. Last evaluated: 2026-04-13. Review status: criteria provided, single submitter. Criteria: LabCorp Variant Classification Summary - May 2015. Collection method: clinical testing. Allele origin: germline.
Comment: Variant summary: VPS13C c.7939G>T (p.Glu2647X) results in a premature termination codon, predicted to cause a truncation of the encoded protein or absence of the protein due to nonsense mediated decay, which are commonly known mechanisms for disease. The variant allele was found at a frequency of 8e-06 in 251360 control chromosomes. To our knowledge, no occurrence of c.7939G>T in individuals affected with VPS13C-related conditions and no experimental evidence demonstrating its impact on protein function have been reported. No submitters have cited clinical-significance assessments for this variant to ClinVar. Based on the evidence outlined above, the variant was classified as pathogenic.